The following is an entry in ClinVar:

ClinVar aggregate classification (germline): Uncertain significance (1 of 4 stars; one submission).

Conditions:
Epileptic encephalopathy. Identifiers: MedGen C0543888, HP:0200134.

Submission:

Labcorp Genetics (formerly Invitae), Labcorp
Classification: Uncertain significance for Epileptic encephalopathy. Last evaluated: 2019-10-08. Review status: criteria provided, single submitter. Criteria: Invitae Variant Classification Sherloc (09022015). Collection method: clinical testing. Allele origin: germline.
Comment: This sequence change replaces cysteine with arginine at codon 4497 of the RYR3 protein (p.Cys4497Arg). The cysteine residue is highly conserved and there is a large physicochemical difference between cysteine and arginine. This variant is not present in population databases (ExAC no frequency). In summary, the available evidence is currently insufficient to determine the role of this variant in disease. Therefore, it has been classified as a Variant of Uncertain Significance. Algorithms developed to predict the effect of missense changes on protein structure and function are either unavailable or do not agree on the potential impact of this missense change (SIFT: "Deleterious"; PolyPhen-2: "Possibly Damaging"; Align-GVGD: "Class C0"). This variant has not been reported in the literature in individuals with RYR3-related conditions.

NM_001036.6(RYR3):c.13489T>C (p.Cys4497Arg)

Gene: RYR3 (ryanodine receptor 3; plus strand). Cytogenetic location: 15q14.
Variant type: single nucleotide variant.
Coding change: c.13489T>C on transcript NM_001036.6 (MANE Select); coding-DNA position 13489, T replaced by C.
Protein change: p.Cys4497Arg; replaces cysteine 4497 with arginine.
Molecular consequence: missense variant.
Genome position (GRCh38, 1-based): chr15:33,845,054, T>C. VCF-style: chr15-33845054-T-C. GRCh37 (hg19) VCF-style: chr15-34137255-T-C.
Other names: c.13474T>C, p.Cys4492Arg (NM_001243996.4); short protein forms C4492R, C4497R.
Identifiers: ClinVar variation 961834 (VCV000961834.9), dbSNP rs1596979504, ClinGen allele CA391598861.